The following is an entry in ClinVar:

NM_172095.4(CATSPER2):c.920G>C (p.Trp307Ser)

Gene: CATSPER2 (cation channel sperm associated 2; minus strand). Cytogenetic location: 15q15.3.
Variant type: single nucleotide variant.
Coding change: c.920G>C on transcript NM_172095.4 (MANE Select); coding-DNA position 920, G replaced by C.
Protein change: p.Trp307Ser; replaces tryptophan 307 with serine.
Molecular consequence: missense variant. On other transcripts: non-coding transcript variant (2).
Genome position (GRCh38, 1-based): chr15:43,636,142, C>G on the plus strand (G>C on the coding strand, the complement: CATSPER2 is on the minus strand). VCF-style: chr15-43636142-C-G. GRCh37 (hg19) VCF-style: chr15-43928340-C-G.
Other names: c.920G>C, p.Trp307Ser (NM_001282309.3); c.938G>C, p.Trp313Ser (NM_001282310.2); short protein forms W307S, W313S.
Identifiers: ClinVar variation 422609 (VCV000422609.29), dbSNP rs146701338, ClinGen allele CA7528754.

ClinVar aggregate classification (germline): Conflicting classifications of pathogenicity. Review status: criteria provided, conflicting classifications (1 of 4 stars). 4 submissions from 4 submitters: Uncertain significance (2); Likely benign (1). 1 of the submissions does not count toward it. Last evaluated 2026-06-01.

Conditions:
Infertility disorder. Also called: Infertility. Identifiers: MedGen C0021359, MeSH D007246, MONDO:0005047, HP:0000789.

Allele frequency attached by ClinVar (database versions not stated): 1000 Genomes Project 30x 0.00109; 1000 Genomes Project 0.00120; TOPMed 0.00229; gnomAD 0.00232; gnomAD exomes 0.00239 and 0.00308; ExAC 0.00257; ESP Exome Variant Server 0.00286.
gnomAD v4.1: 4,844 of 1,607,824 alleles (0.3%); highest among the groups gnomAD compares: Middle Eastern, 0.45%; 55 homozygotes.

Submissions (4):

CeGaT Center for Human Genetics Tuebingen
Classification: Likely benign. Last evaluated: 2026-06-01. Review status: criteria provided, single submitter. Criteria: CeGaT Center For Human Genetics Tuebingen Variant Classification Criteria Version 2. Collection method: clinical testing. Allele origin: germline. Affected: yes. Observed: 4 variant alleles.
Comment: CATSPER2: BS2

GeneDx
Classification: Uncertain significance. Last evaluated: 2016-11-01. Review status: criteria provided, single submitter. Criteria: GeneDx Variant Classification (06012015). Collection method: clinical testing. Allele origin: germline. Affected: yes.
Comment: The W307S variant in the CATSPER2 gene has not been reported previously as a pathogenic variant, nor as a benign variant, to our knowledge. Although not present in the homozygous state, the NHLBI ESP Exome Sequencing Project reports W307S was observed in 33/8544 alleles (0.4%) from individuals of European ancestry, indicating it may be a rare variant in this population. The W307S variant is a non-conservative amino acid substitution, which is likely to impact secondary protein structure as these residues differ in polarity, charge, size and/or other properties. This substitution also occurs at a position that is conserved across mammalian species, and in silico analysis predicts this variant is probably damaging to the protein structure/function. We interpret W307S as a variant of uncertain significance.

Breakthrough Genomics
Classification: Uncertain significance. Review status: criteria provided, single submitter. Criteria: ACMG Guidelines, 2015. Collection method: not provided. Allele origin: germline. Inheritance: Unknown mechanism. Affected: yes.

MAGI's Lab - Research, MAGI Group
Classification: Uncertain significance for Infertility disorder. Review status: no assertion criteria provided. Collection method: provider interpretation. Allele origin: germline. Affected: yes. Not counted in ClinVar's aggregate classification.